The following is an entry in ClinVar:

NM_001999.4(FBN2):c.1316del (p.Gly439fs)

Gene: FBN2 (fibrillin 2; minus strand). Cytogenetic location: 5q23.3.
Variant type: Deletion.
Coding change: c.1316del on transcript NM_001999.4 (MANE Select); coding-DNA position 1316, one base deleted (G; older notation c.1316delG).
Protein change: p.Gly439fs; shifts the reading frame from glycine 439.
Molecular consequence: frameshift variant.
Genome position (GRCh38, 1-based): chr5:128,393,284, C deleted on the plus strand (G on the coding strand, the reverse complement: FBN2 is on the minus strand); the first of 5 consecutive C bases (chr5:128,393,284-128,393,288); deleting any one gives the same sequence. VCF-style (leftmost placement, unchanged base first): chr5-128393283-TC-T. GRCh37 (hg19) VCF-style: chr5-127728976-TC-T.
Other names: short protein forms G439fs.
Identifiers: ClinVar variation 2128697 (VCV002128697.4), dbSNP rs2479437753, ClinGen allele CA2580072613.

ClinVar aggregate classification (germline): Uncertain significance (1 of 4 stars; one submission).

Conditions:
Congenital contractural arachnodactyly (CCA). Also called: BEALS SYNDROME; Beals-Hecht syndrome; Arthrogryposis, distal, type 9. Identifiers: Orphanet 115, MedGen C0220668, MONDO:0007363, OMIM 121050.

Submission:

Labcorp Genetics (formerly Invitae), Labcorp
Classification: Uncertain significance for Congenital contractural arachnodactyly. Last evaluated: 2022-04-21. Review status: criteria provided, single submitter. Criteria: Invitae Variant Classification Sherloc (09022015). Collection method: clinical testing. Allele origin: germline.
Comment: This variant is not present in population databases (gnomAD no frequency). In summary, the available evidence is currently insufficient to determine the role of this variant in disease. Therefore, it has been classified as a Variant of Uncertain Significance. This variant has not been reported in the literature in individuals affected with FBN2-related conditions. This sequence change creates a premature translational stop signal (p.Gly439Glufs*50) in the FBN2 gene. It is expected to result in an absent or disrupted protein product. However, the current clinical and genetic evidence is not sufficient to establish whether loss-of-function variants in FBN2 cause disease.